The following is an entry in ClinVar:

ClinVar aggregate classification (germline): Benign/Likely benign. Review status: criteria provided, multiple submitters, no conflicts (2 of 4 stars). 3 submissions from 3 submitters: Benign (1); Likely benign (1). 1 of the submissions does not count toward it. Last evaluated 2025-12-19.

Conditions:
MAPKBP1-related disorder. Also called: MAPKBP1-related condition.

Allele frequency attached by ClinVar (database versions not stated): ESP Exome Variant Server 0.00008; gnomAD exomes 0.00012; ExAC 0.00018; gnomAD 0.00022; TOPMed 0.00028.
gnomAD v4.1: 225 of 1,614,038 alleles (0.014%); highest among the groups gnomAD compares: Admixed American, 0.077%; 1 homozygote.

Submissions (3):

Labcorp Genetics (formerly Invitae), Labcorp
Classification: Benign. Last evaluated: 2025-12-19. Review status: criteria provided, single submitter. Criteria: Invitae Variant Classification Sherloc (09022015). Collection method: clinical testing. Allele origin: germline.

Blueprint Genetics
Classification: Likely benign. Last evaluated: 2024-10-24. Review status: criteria provided, single submitter. Criteria: ACMG Guidelines, 2015. Collection method: clinical testing. Allele origin: germline.

PreventionGenetics, part of Exact Sciences
Classification: Likely benign for MAPKBP1-related condition. Last evaluated: 2022-10-18. Review status: no assertion criteria provided. Collection method: clinical testing. Allele origin: germline. Not counted in ClinVar's aggregate classification.
Comment: This variant is classified as likely benign based on ACMG/AMP sequence variant interpretation guidelines (Richards et al. 2015 PMID: 25741868, with internal and published modifications).

NM_014994.3(MAPKBP1):c.1783-5T>C

Gene: MAPKBP1 (mitogen-activated protein kinase binding protein 1; plus strand). Cytogenetic location: 15q15.1.
Variant type: single nucleotide variant.
Coding change: c.1783-5T>C on transcript NM_014994.3 (MANE Select); 5 bases into the intron before coding-DNA position 1783, T replaced by C.
Molecular consequence: intron variant.
Genome position (GRCh38, 1-based): chr15:41,817,609, T>C. VCF-style: chr15-41817609-T-C. GRCh37 (hg19) VCF-style: chr15-42109807-T-C.
Other names: c.1801-5T>C (NM_001128608.2, NM_001128608.1); c.1783-5T>C (NM_001265611.2).
Identifiers: ClinVar variation 2076843 (VCV002076843.7), dbSNP rs372289219, ClinGen allele CA7497951.
Genomic context (GRCh38, chr15:41,817,609, plus strand): 5'-GTAGGGCTCTTGGGGCCTGGTGAGGCATTTGGGTGTGGGCCTGCCCACATGCTCCACCCC[T>C]GCAGTCTGGAGATGGAGTGCAGTTCACACGGACACACCACGTGGTGCGGAAGACGACCCT-3'